The following is an entry in ClinVar:

ClinVar aggregate classification (germline): Uncertain significance. Review status: no assertion criteria provided (0 of 4 stars). 2 submissions from 1 submitter: Uncertain significance (1). 1 of the submissions does not count toward it. Last evaluated 2010-03-30.

Submissions (2):

ISCA site 4
Classification: Uncertain significance. Last evaluated: 2010-03-30. Review status: no assertion criteria provided. Collection method: clinical testing. Allele origin: unknown. Affected: yes. Observed: 1 variant allele.

ISCA site 4
Classification: Uncertain significance. Last evaluated: 2011-08-12. Review status: flagged submission. Criteria: Kaminsky et al. (Genet Med. 2011). Collection method: clinical testing. Allele origin: unknown. Affected: yes. Observed: 3 variant alleles. Clinical features observed: Anal atresia (HP:0002023), Developmental delay AND/OR other significant developmental or morphological phenotypes, Global developmental delay (HP:0001263). Not counted in ClinVar's aggregate classification.
Comment: Copy number variation identified through the course of routine clinical cytogenomic testing in postnatal populations. Clinical assertions have been curated as described in Kaminsky et al. 2011.
ClinVar note: Reason: This record appears to be redundant with a more recent record from the same submitter.
ClinVar note: Notes: SCV000077660 appears to be redundant with SCV000173213.

GRCh38/hg38 16p13.11(chr16:14874998-16100721)x3

Genes: ABCC1 (ATP binding cassette subfamily C member 1 (ABCC1 blood group); plus strand), BMERB1 (bMERB domain containing 1; plus strand), CEP20 (centrosomal protein 20; minus strand), MARF1 (meiosis regulator and mRNA stability factor 1; minus strand), MIR1972-1 (microRNA 1972-1; minus strand) and 38 more. Cytogenetic location: 16p13.11.
Variant type: copy number gain.
Change: copy number 3 (three copies instead of two) of chr16:14,874,998-16,100,721 (1.23 Mb, GRCh38 coordinates, 1-based), cytogenetic band 16p13.11.
Identifiers: ClinVar variation 34458 (VCV000034458.3).